The following is an entry in ClinVar:

ClinVar aggregate classification (germline): Uncertain significance. Review status: criteria provided, multiple submitters, no conflicts (2 of 4 stars). 2 submissions from 2 submitters: Uncertain significance (2). Last evaluated 2025-04-11.

Conditions:
Inborn genetic diseases. Identifiers: MedGen C0950123, MeSH D030342.

Allele frequency attached by ClinVar (database versions not stated): gnomAD exomes below 0.00001; ExAC 0.00001; gnomAD 0.00001; ESP Exome Variant Server 0.00008.
gnomAD v4.1: 2 of 1,611,420 alleles (0.00012%); highest among the groups gnomAD compares: African/African-American, 0.0027%; no homozygotes.

Submissions (2):

GeneDx
Classification: Uncertain significance. Last evaluated: 2025-04-11. Review status: criteria provided, single submitter. Criteria: GeneDx Variant Classification Process June 2021. Collection method: clinical testing. Allele origin: germline. Affected: yes.
Comment: Not observed at significant frequency in large population cohorts (gnomAD); In silico analysis indicates that this missense variant does not alter protein structure/function; Has not been previously published as pathogenic or benign to our knowledge

Ambry Genetics
Classification: Uncertain significance for Inborn genetic diseases. Last evaluated: 2024-03-01. Review status: criteria provided, single submitter. Criteria: Ambry Variant Classification Scheme 2023. Collection method: clinical testing. Allele origin: germline.

NM_001145809.2(MYH14):c.3799G>T (p.Ala1267Ser)

Gene: MYH14 (myosin heavy chain 14; plus strand). Cytogenetic location: 19q13.33.
Variant type: single nucleotide variant.
Coding change: c.3799G>T on transcript NM_001145809.2 (MANE Select); coding-DNA position 3799, G replaced by T.
Protein change: p.Ala1267Ser; replaces alanine 1267 with serine.
Molecular consequence: missense variant.
Genome position (GRCh38, 1-based): chr19:50,276,875, G>T. VCF-style: chr19-50276875-G-T. GRCh37 (hg19) VCF-style: chr19-50780132-G-T.
Other names: c.3700G>T, p.Ala1234Ser (NM_001077186.2); c.3676G>T, p.Ala1226Ser (NM_024729.4); short protein forms A1226S, A1234S, A1267S.
Identifiers: ClinVar variation 1325910 (VCV001325910.4), dbSNP rs376485732, ClinGen allele CA9593318.